The following is an entry in ClinVar:

NM_001457.4(FLNB):c.6695G>A (p.Gly2232Asp)

Gene: FLNB (filamin B; plus strand). Cytogenetic location: 3p14.3.
Variant type: single nucleotide variant.
Coding change: c.6695G>A on transcript NM_001457.4 (MANE Select); coding-DNA position 6695, G replaced by A.
Protein change: p.Gly2232Asp; replaces glycine 2232 with aspartic acid.
Molecular consequence: missense variant.
Genome position (GRCh38, 1-based): chr3:58,154,851, G>A. VCF-style: chr3-58154851-G-A. GRCh37 (hg19) VCF-style: chr3-58140578-G-A.
Other names: c.6788G>A, p.Gly2263Asp (NM_001164317.2); c.6662G>A, p.Gly2221Asp (NM_001164318.2); c.6623G>A, p.Gly2208Asp (NM_001164319.2); short protein forms G2232D, G2221D, G2208D, G2263D.
Identifiers: ClinVar variation 3694173 (VCV003694173.2).

ClinVar aggregate classification (germline): Uncertain significance (1 of 4 stars; one submission).

gnomAD v4.1: 2 of 1,613,946 alleles (0.00012%); highest among the groups gnomAD compares: Admixed American, 0.0033%; no homozygotes.

Submission:

Labcorp Genetics (formerly Invitae), Labcorp
Classification: Uncertain significance. Last evaluated: 2024-10-11. Review status: criteria provided, single submitter. Criteria: Invitae Variant Classification Sherloc (09022015). Collection method: clinical testing. Allele origin: germline.
Comment: This sequence change replaces glycine, which is neutral and non-polar, with aspartic acid, which is acidic and polar, at codon 2232 of the FLNB protein (p.Gly2232Asp). This variant is present in population databases (rs779055842, gnomAD 0.006%). This variant has not been reported in the literature in individuals affected with FLNB-related conditions. Invitae Evidence Modeling of protein sequence and biophysical properties (such as structural, functional, and spatial information, amino acid conservation, physicochemical variation, residue mobility, and thermodynamic stability) indicates that this missense variant is expected to disrupt FLNB protein function with a positive predictive value of 95%. In summary, the available evidence is currently insufficient to determine the role of this variant in disease. Therefore, it has been classified as a Variant of Uncertain Significance.